The following is an entry in ClinVar:

ClinVar aggregate classification (germline): Uncertain significance (1 of 4 stars; one submission).

Conditions:
PROK2-related disorder. Also called: PROK2-related condition.

Submission:

PreventionGenetics, part of Exact Sciences
Classification: Uncertain significance for PROK2-related condition. Last evaluated: 2026-04-20. Review status: criteria provided, single submitter. Criteria: ACMG Guidelines, 2015. Collection method: clinical testing. Allele origin: germline.
Comment: The PROK2 c.169A>T variant is predicted to result in the amino acid substitution p.Ile57Phe. To our knowledge, this variant has not been reported in the literature or in a large population database (gnomAD), indicating this variant is rare. At this time, the clinical significance of this variant is uncertain due to the absence of conclusive functional and genetic evidence.

NM_001126128.2(PROK2):c.169A>T (p.Ile57Phe)

Gene: PROK2 (prokineticin 2; minus strand). Cytogenetic location: 3p13.
Variant type: single nucleotide variant.
Coding change: c.169A>T on transcript NM_001126128.2 (MANE Select); coding-DNA position 169, A replaced by T.
Protein change: p.Ile57Phe; replaces isoleucine 57 with phenylalanine.
Molecular consequence: missense variant.
Genome position (GRCh38, 1-based): chr3:71,781,520, T>A on the plus strand (A>T on the coding strand, the complement: PROK2 is on the minus strand). VCF-style: chr3-71781520-T-A. GRCh37 (hg19) VCF-style: chr3-71830671-T-A.
Other names: c.169A>T, p.Ile57Phe (NM_021935.4); short protein forms I57F.
Identifiers: ClinVar variation 4993226 (VCV004993226.1).